The following is an entry in ClinVar:

NM_001267550.2(TTN):c.69210A>G (p.Ser23070=)

Genes: TTN (titin; minus strand), TTN-AS1 (TTN antisense RNA 1; plus strand). Cytogenetic location: 2q31.2.
Variant type: single nucleotide variant.
Coding change: c.69210A>G on transcript NM_001267550.2 (MANE Select); coding-DNA position 69210, A replaced by G.
Protein change: p.Ser23070=; no amino-acid change (serine 23070 retained).
Molecular consequence: synonymous variant.
Genome position (GRCh38, 1-based): chr2:178,577,125, T>C on the plus strand (A>G on the coding strand, the complement: TTN is on the minus strand). VCF-style: chr2-178577125-T-C. GRCh37 (hg19) VCF-style: chr2-179441852-T-C.
Other names: c.64287A>G, p.Ser21429= (NM_001256850.1); c.42015A>G, p.Ser14005= (NM_003319.4); c.61506A>G, p.Ser20502= (NM_133378.4); c.42390A>G, p.Ser14130= (NM_133432.3); c.42591A>G, p.Ser14197= (NM_133437.4).
Identifiers: ClinVar variation 1547665 (VCV001547665.17), dbSNP rs754292352, ClinGen allele CA1990968.

ClinVar aggregate classification (germline): Likely benign. Review status: criteria provided, multiple submitters, no conflicts (2 of 4 stars). 3 submissions from 3 submitters: Likely benign (3). Last evaluated 2025-03-01.

Conditions:
Dilated cardiomyopathy 1G (CMD1G). Identifiers: Orphanet 154, MedGen C1858763, MONDO:0011400, OMIM 604145.
Autosomal recessive limb-girdle muscular dystrophy type 2J (LGMDR10). Also called: MUSCULAR DYSTROPHY, LIMB-GIRDLE, AUTOSOMAL RECESSIVE 10; Limb-girdle muscular dystrophy, type 2J. Identifiers: Orphanet 140922, MedGen C1837342, MONDO:0012127, OMIM 608807.
Cardiovascular phenotype. Identifiers: MedGen CN230736.

Allele frequency attached by ClinVar (database versions not stated): gnomAD 0.00001; gnomAD exomes 0.00002 and 0.00003; ExAC 0.00003.
gnomAD v4.1: 25 of 1,613,094 alleles (0.0015%); highest among the groups gnomAD compares: South Asian, 0.018%; no homozygotes.

Submissions (3):

CeGaT Center for Human Genetics Tuebingen
Classification: Likely benign. Last evaluated: 2025-03-01. Review status: criteria provided, single submitter. Criteria: CeGaT Center For Human Genetics Tuebingen Variant Classification Criteria Version 2. Collection method: clinical testing. Allele origin: germline. Affected: yes. Observed: 1 variant allele.
Comment: TTN: BP4, BP7

Labcorp Genetics (formerly Invitae), Labcorp
Classification: Likely benign for Dilated cardiomyopathy 1G; Autosomal recessive limb-girdle muscular dystrophy type 2J. Last evaluated: 2022-12-06. Review status: criteria provided, single submitter. Criteria: Invitae Variant Classification Sherloc (09022015). Collection method: clinical testing. Allele origin: germline.

Ambry Genetics
Classification: Likely benign for Cardiovascular phenotype. Last evaluated: 2022-02-02. Review status: criteria provided, single submitter. Criteria: Ambry Variant Classification Scheme 2023. Collection method: clinical testing. Allele origin: germline.